The following is an entry in ClinVar:

ClinVar aggregate classification (germline): Uncertain significance (1 of 4 stars; one submission).

Allele frequency attached by ClinVar (database versions not stated): gnomAD exomes below 0.00001; gnomAD 0.00001; TOPMed 0.00001.
gnomAD v4.1: 5 of 1,548,536 alleles (0.00032%); highest among the groups gnomAD compares: African/African-American, 0.0042%; no homozygotes.

Submission:

Women's Health and Genetics/Laboratory Corporation of America, LabCorp
Classification: Uncertain significance. Last evaluated: 2023-06-01. Review status: criteria provided, single submitter. Criteria: LabCorp Variant Classification Summary - May 2015. Collection method: clinical testing. Allele origin: germline.
Comment: Variant summary: TRPM7 c.4557+18A>G alters a conserved nucleotide located close to a canonical splice site and therefore could affect mRNA splicing, leading to a significantly altered protein sequence. 4/4 computational tools predict no significant impact on normal splicing. However, these predictions have yet to be confirmed by functional studies. The variant allele was found at a frequency of 4.4e-06 in 226714 control chromosomes. The available data on variant occurrences in the general population are insufficient to allow any conclusion about variant significance. To our knowledge, no occurrence of c.4557+18A>G in individuals affected with Amyotrophic Lateral Sclerosis-Parkinsonism Complex and no experimental evidence demonstrating its impact on protein function have been reported. No clinical diagnostic laboratories have submitted clinical-significance assessments for this variant to ClinVar after 2014. Based on the evidence outlined above, the variant was classified as uncertain significance.

NM_017672.6(TRPM7):c.4557+18A>G

Gene: TRPM7 (transient receptor potential cation channel subfamily M member 7; minus strand). Cytogenetic location: 15q21.2.
Variant type: single nucleotide variant.
Coding change: c.4557+18A>G on transcript NM_017672.6 (MANE Select); 18 bases into the intron after coding-DNA position 4557, A replaced by G.
Molecular consequence: intron variant.
Genome position (GRCh38, 1-based): chr15:50,583,071, T>C on the plus strand (A>G on the coding strand, the complement: TRPM7 is on the minus strand). VCF-style: chr15-50583071-T-C. GRCh37 (hg19) VCF-style: chr15-50875268-T-C.
Other names: c.4554+18A>G (NM_001301212.2).
Identifiers: ClinVar variation 2573589 (VCV002573589.1), dbSNP rs1048014858, ClinGen allele CA270494636.